The following is an entry in ClinVar:

NM_001330260.2(SCN8A):c.177G>A (p.Leu59=)

Genes: SCN8A (sodium voltage-gated channel alpha subunit 8; plus strand), LOC114803470 (SCN8A eExon liver enhancer; plus strand). Cytogenetic location: 12q13.13.
Variant type: single nucleotide variant.
Coding change: c.177G>A on transcript NM_001330260.2 (MANE Select); coding-DNA position 177, G replaced by A.
Protein change: p.Leu59=; no amino-acid change (leucine 59 retained).
Molecular consequence: synonymous variant.
Genome position (GRCh38, 1-based): chr12:51,662,994, G>A. VCF-style: chr12-51662994-G-A. GRCh37 (hg19) VCF-style: chr12-52056778-G-A.
Other names: c.177G>A, p.Leu59= (NM_001177984.3, NM_001369788.1, NM_014191.4).
Identifiers: ClinVar variation 589596 (VCV000589596.22), dbSNP rs147027699, ClinGen allele CA6571007.

ClinVar aggregate classification (germline): Benign/Likely benign. Review status: criteria provided, multiple submitters, no conflicts (2 of 4 stars). 5 submissions from 5 submitters: Benign (1); Likely benign (4). Last evaluated 2025-11-11.

Conditions:
Early-infantile DEE. Also called: Early infantile epileptic encephalopathy; Ohtahara syndrome; Early infantile epileptic encephalopathy with suppression bursts. Identifiers: Orphanet 1934, MedGen C0393706, MONDO:0800491.
Inborn genetic diseases. Identifiers: MedGen C0950123, MeSH D030342.

Allele frequency attached by ClinVar (database versions not stated): gnomAD exomes 0.00002 and 0.00006; ExAC 0.00007; gnomAD 0.00013 and 0.00014; 1000 Genomes Project 30x 0.00016; ESP Exome Variant Server 0.00016; TOPMed 0.00018; 1000 Genomes Project 0.00020.
gnomAD v4.1: 48 of 1,614,038 alleles (0.003%); highest among the groups gnomAD compares: African/African-American, 0.053%; no homozygotes.

Submissions (5):

Labcorp Genetics (formerly Invitae), Labcorp
Classification: Likely benign for Early-infantile DEE. Last evaluated: 2025-11-11. Review status: criteria provided, single submitter. Criteria: Invitae Variant Classification Sherloc (09022015). Collection method: clinical testing. Allele origin: germline.

Women's Health and Genetics/Laboratory Corporation of America, LabCorp
Classification: Likely benign. Last evaluated: 2024-08-20. Review status: criteria provided, single submitter. Criteria: LabCorp Variant Classification Summary - May 2015. Collection method: clinical testing. Allele origin: germline.
Comment: Variant summary: SCN8A c.177G>A alters a conserved nucleotide resulting in a synonymous change. Consensus agreement among computation tools predict no significant impact on normal splicing. However, these predictions have yet to be confirmed by functional studies. The variant allele was found at a frequency of 6.4e-05 in 249118 control chromosomes. This frequency is not significantly higher than estimated for a pathogenic variant in SCN8A causing Early Infantile Epileptic Encephalopathy 13, allowing no conclusion about variant significance. To our knowledge, no occurrence of c.177G>A in individuals affected with Early Infantile Epileptic Encephalopathy 13 and no experimental evidence demonstrating its impact on protein function have been reported. ClinVar contains an entry for this variant (Variation ID: 589596). Based on the evidence outlined above, the variant was classified as likely benign.

Blueprint Genetics
Classification: Likely benign. Last evaluated: 2024-08-05. Review status: criteria provided, single submitter. Criteria: ACMG Guidelines, 2015. Collection method: clinical testing. Allele origin: germline.

GeneDx
Classification: Benign. Last evaluated: 2020-10-05. Review status: criteria provided, single submitter. Criteria: GeneDx Variant Classification Process June 2021. Collection method: clinical testing. Allele origin: germline. Affected: yes.

Ambry Genetics
Classification: Likely benign for Inborn genetic diseases. Last evaluated: 2017-04-05. Review status: criteria provided, single submitter. Criteria: Ambry Variant Classification Scheme 2023. Collection method: clinical testing. Allele origin: germline.